The following is an entry in ClinVar:

NM_213653.4(HJV):c.98-1G>A

Gene: HJV (hemojuvelin BMP co-receptor; minus strand). Cytogenetic location: 1q21.1.
Variant type: single nucleotide variant.
Coding change: c.98-1G>A on transcript NM_213653.4 (MANE Select); the canonical splice acceptor site of the intron before coding-DNA position 98, G replaced by A.
Molecular consequence: splice acceptor variant. On other transcripts: intron variant (1).
Genome position (GRCh38, 1-based): chr1:146,019,735, C>T on the plus strand (G>A on the coding strand, the complement: HJV is on the minus strand). VCF-style: chr1-146019735-C-T. GRCh37 (hg19) VCF-style: chr1-145415278-G-A.
Other names: c.-21-1035G>A (NM_213652.4); c.-58-1G>A (NM_202004.4, NM_001316767.2); c.-242-1G>A (NM_145277.5); c.98-1G>A (NM_001379352.1).
Identifiers: ClinVar variation 1484154 (VCV001484154.6), dbSNP rs2101985658, ClinGen allele CA342144171.

ClinVar aggregate classification (germline): Likely pathogenic (1 of 4 stars; one submission).

Allele frequency attached by ClinVar (database versions not stated): gnomAD exomes below 0.00001.

Submission:

Labcorp Genetics (formerly Invitae), Labcorp
Classification: Likely pathogenic. Last evaluated: 2021-07-25. Review status: criteria provided, single submitter. Criteria: Invitae Variant Classification Sherloc (09022015). Collection method: clinical testing. Allele origin: germline.
Comment: In summary, the currently available evidence indicates that the variant is pathogenic, but additional data are needed to prove that conclusively. Therefore, this variant has been classified as Likely Pathogenic. Algorithms developed to predict the effect of sequence changes on RNA splicing suggest that this variant may disrupt the consensus splice site. This variant has not been reported in the literature in individuals affected with HJV-related conditions. This variant is not present in population databases (ExAC no frequency). This sequence change affects an acceptor splice site in intron 2 of the HJV gene. It is expected to disrupt RNA splicing. Variants that disrupt the donor or acceptor splice site typically lead to a loss of protein function (PMID: 16199547), and loss-of-function variants in HJV are known to be pathogenic (PMID: 20301349, 22408404).

Literature cited by the submitters: PubMed 16199547; PubMed 20301349; PubMed 22408404.